The following is an entry in ClinVar:

NM_003673.4(TCAP):c.98G>T (p.Arg33Leu)

Gene: TCAP (titin-cap; plus strand). Cytogenetic location: 17q12.
Variant type: single nucleotide variant.
Coding change: c.98G>T on transcript NM_003673.4 (MANE Select); coding-DNA position 98, G replaced by T.
Protein change: p.Arg33Leu; replaces arginine 33 with leucine.
Molecular consequence: missense variant.
Genome position (GRCh38, 1-based): chr17:39,665,457, G>T. VCF-style: chr17-39665457-G-T. GRCh37 (hg19) VCF-style: chr17-37821710-G-T.
Other names: short protein forms R33L.
Identifiers: ClinVar variation 1370797 (VCV001370797.8), dbSNP rs1085307822, ClinGen allele CA399303159.

ClinVar aggregate classification (germline): Uncertain significance (1 of 4 stars; one submission).

Conditions:
Hypertrophic cardiomyopathy 25 (CMH25). Also called: CARDIOMYOPATHY, FAMILIAL HYPERTROPHIC, 25. Identifiers: MedGen C4225408, MONDO:0011843, OMIM 607487.
Primary familial hypertrophic cardiomyopathy (HCM). Identifiers: Orphanet 99739, MedGen C0949658, MeSH D024741, MONDO:0024573. Inheritance: Various modes of inheritance.

Submission:

Labcorp Genetics (formerly Invitae), Labcorp
Classification: Uncertain significance for Hypertrophic cardiomyopathy 25; Primary familial hypertrophic cardiomyopathy. Last evaluated: 2022-03-08. Review status: criteria provided, single submitter. Criteria: Invitae Variant Classification Sherloc (09022015). Collection method: clinical testing. Allele origin: germline.
Comment: In summary, the available evidence is currently insufficient to determine the role of this variant in disease. Therefore, it has been classified as a Variant of Uncertain Significance. Algorithms developed to predict the effect of missense changes on protein structure and function (SIFT, PolyPhen-2, Align-GVGD) all suggest that this variant is likely to be disruptive. This variant has not been reported in the literature in individuals affected with TCAP-related conditions. This variant is not present in population databases (gnomAD no frequency). This sequence change replaces arginine, which is basic and polar, with leucine, which is neutral and non-polar, at codon 33 of the TCAP protein (p.Arg33Leu).